The following is an entry in ClinVar:

NM_015971.4(MRPS7):c.701G>A (p.Arg234His)

Gene: MRPS7 (mitochondrial ribosomal protein S7; plus strand). Cytogenetic location: 17q25.1.
Variant type: single nucleotide variant.
Coding change: c.701G>A on transcript NM_015971.4 (MANE Select); coding-DNA position 701, G replaced by A.
Protein change: p.Arg234His; replaces arginine 234 with histidine.
Molecular consequence: missense variant.
Genome position (GRCh38, 1-based): chr17:75,265,895, G>A. VCF-style: chr17-75265895-G-A. GRCh37 (hg19) VCF-style: chr17-73261976-G-A.
Other names: short protein forms R234H.
Identifiers: ClinVar variation 2726975 (VCV002726975.3), dbSNP rs767905629, ClinGen allele CA8760481.

ClinVar aggregate classification (germline): Uncertain significance (1 of 4 stars; one submission).

Allele frequency attached by ClinVar (database versions not stated): gnomAD 0.00002; TOPMed 0.00002; gnomAD exomes 0.00005; ExAC 0.00007.

Submission:

Labcorp Genetics (formerly Invitae), Labcorp
Classification: Uncertain significance. Last evaluated: 2024-01-13. Review status: criteria provided, single submitter. Criteria: Invitae Variant Classification Sherloc (09022015). Collection method: clinical testing. Allele origin: germline.
Comment: This sequence change replaces arginine, which is basic and polar, with histidine, which is basic and polar, at codon 234 of the MRPS7 protein (p.Arg234His). This variant is present in population databases (rs767905629, gnomAD 0.06%), and has an allele count higher than expected for a pathogenic variant. This variant has not been reported in the literature in individuals affected with MRPS7-related conditions. Advanced modeling of protein sequence and biophysical properties (such as structural, functional, and spatial information, amino acid conservation, physicochemical variation, residue mobility, and thermodynamic stability) performed at Invitae indicates that this missense variant is expected to disrupt MRPS7 protein function with a positive predictive value of 80%. In summary, the available evidence is currently insufficient to determine the role of this variant in disease. Therefore, it has been classified as a Variant of Uncertain Significance.